The following is an entry in ClinVar:

ClinVar aggregate classification (germline): Uncertain significance. Review status: criteria provided, multiple submitters, no conflicts (2 of 4 stars). 5 submissions from 5 submitters: Uncertain significance (5). Last evaluated 2026-02-12.

Conditions:
H syndrome. Also called: Hyperpigmentation, Cutaneous, with Hypertrichosis, Hepatosplenomegaly, Heart Anomalies, Hearing Loss, and Hypogonadism; Histiocytosis-lymphadenopathy plus syndrome; FAISALABAD HISTIOCYTOSIS; HISTIOCYTOSIS AND LYMPHADENOPATHY WITH OR WITHOUT CUTANEOUS, CARDIAC, AND/OR ENDOCRINE FEATURES, JOINT CONTRACTURES, AND/OR DEAFNESS; HYPERPIGMENTATION, CUTANEOUS, WITH HYPERTRICHOSIS, HEPATOSPLENOMEGALY, HEART ANOMALIES, AND HYPOGONADISM WITH OR WITHOUT HEARING LOSS; PIGMENTED HYPERTRICHOSIS WITH INSULIN-DEPENDENT DIABETES MELLITUS. Identifiers: Orphanet 168569, MedGen C1864445, MONDO:0011273, OMIM 602782.

Allele frequency attached by ClinVar (database versions not stated): 1000 Genomes Project 30x 0.00016; 1000 Genomes Project 0.00020; ExAC 0.00027; gnomAD exomes 0.00027 and 0.00045; TOPMed 0.00030; gnomAD 0.00041 and 0.00043; ESP Exome Variant Server 0.00077.
gnomAD v4.1: 725 of 1,614,136 alleles (0.045%); highest among the groups gnomAD compares: Non-Finnish European, 0.055%; no homozygotes.

Submissions (5):

Women's Health and Genetics/Laboratory Corporation of America, LabCorp
Classification: Uncertain significance. Last evaluated: 2026-02-12. Review status: criteria provided, single submitter. Criteria: LabCorp Variant Classification Summary - May 2015. Collection method: clinical testing. Allele origin: germline.
Comment: Variant summary: SLC29A3 c.688G>A (p.Ala230Thr) results in a non-conservative amino acid change in the encoded protein sequence. Algorithms developed to predict the effect of missense changes on protein structure and function are either unavailable or do not agree on the potential impact of this missense change. The variant allele was found at a frequency of 0.00027 in 251464 control chromosomes. This frequency is not significantly higher than estimated for disease-causing variants in SLC29A3, allowing no conclusion about variant significance. c.688G>A has been observed in individual(s) affected with systemic autoinflammatory diseases (Karacan_2019). These report(s) do not provide unequivocal conclusions about association of the variant with H Syndrome. To our knowledge, no experimental evidence demonstrating an impact on protein function has been reported. The following publication has been ascertained in the context of this evaluation (PMID: 30783801). ClinVar contains an entry for this variant (Variation ID: 300362). Based on the evidence outlined above, the variant was classified as uncertain significance.

Labcorp Genetics (formerly Invitae), Labcorp
Classification: Uncertain significance for H syndrome. Last evaluated: 2026-01-26. Review status: criteria provided, single submitter. Criteria: Invitae Variant Classification Sherloc (09022015). Collection method: clinical testing. Allele origin: germline.
Comment: This sequence change replaces alanine, which is neutral and non-polar, with threonine, which is neutral and polar, at codon 230 of the SLC29A3 protein (p.Ala230Thr). This variant is present in population databases (rs147701543, gnomAD 0.04%). This missense change has been observed in individual(s) with systemic autoinflammatory disease (PMID: 30783801). ClinVar contains an entry for this variant (Variation ID: 300362). Invitae Evidence Modeling of protein sequence and biophysical properties (such as structural, functional, and spatial information, amino acid conservation, physicochemical variation, residue mobility, and thermodynamic stability) indicates that this missense variant is not expected to disrupt SLC29A3 protein function with a negative predictive value of 80%. In summary, the available evidence is currently insufficient to determine the role of this variant in disease. Therefore, it has been classified as a Variant of Uncertain Significance.

Blueprint Genetics
Classification: Uncertain significance. Last evaluated: 2024-11-17. Review status: criteria provided, single submitter. Criteria: ACMG Guidelines, 2015. Collection method: clinical testing. Allele origin: germline.

Fulgent Genetics
Classification: Uncertain significance for H syndrome. Last evaluated: 2022-05-09. Review status: criteria provided, single submitter. Criteria: ACMG Guidelines, 2015. Collection method: clinical testing. Allele origin: unknown.

Illumina Laboratory Services, Illumina
Classification: Uncertain significance for H syndrome. Last evaluated: 2018-01-13. Review status: criteria provided, single submitter. Criteria: ICSL Variant Classification Criteria 13 December 2019. Collection method: clinical testing. Allele origin: germline.

Literature cited by the submitters: PubMed 30783801 (cited by Women's Health and Genetics/Laboratory Corporation of America, LabCorp and Labcorp Genetics (formerly Invitae), Labcorp).

NM_018344.6(SLC29A3):c.688G>A (p.Ala230Thr)

Gene: SLC29A3 (solute carrier family 29 member 3; plus strand). Cytogenetic location: 10q22.1.
Variant type: single nucleotide variant.
Coding change: c.688G>A on transcript NM_018344.6 (MANE Select); coding-DNA position 688, G replaced by A.
Protein change: p.Ala230Thr; replaces alanine 230 with threonine.
Molecular consequence: missense variant. On other transcripts: non-coding transcript variant (2).
Genome position (GRCh38, 1-based): chr10:71,356,158, G>A. VCF-style: chr10-71356158-G-A. GRCh37 (hg19) VCF-style: chr10-73115915-G-A.
Other names: c.688G>A, p.Ala230Thr (NM_001174098.2); c.454G>A, p.Ala152Thr (NM_001363518.2); short protein forms A230T, A152T.
Identifiers: ClinVar variation 300362 (VCV000300362.16), dbSNP rs147701543, ClinGen allele CA5543020.